The following is an entry in ClinVar:

ClinVar aggregate classification (germline): Uncertain significance (1 of 4 stars; one submission).

Conditions:
Muscular dystrophy-dystroglycanopathy (congenital with brain and eye anomalies), type A6. Also called: WALKER-WARBURG SYNDROME OR MUSCLE-EYE-BRAIN DISEASE, LARGE-RELATED; MUSCULAR DYSTROPHY-DYSTROGLYCANOPATHY (CONGENITAL WITH BRAIN AND EYE ANOMALIES), TYPE A, 6. Identifiers: Orphanet 588, Orphanet 899, MedGen C3150414, MONDO:0013158, OMIM 613154.

Allele frequency attached by ClinVar (database versions not stated): gnomAD exomes below 0.00001 and 0.00001; ExAC 0.00001.
gnomAD v4.1: 16 of 1,614,260 alleles (0.00099%); highest among the groups gnomAD compares: Non-Finnish European, 0.0013%; no homozygotes.

Submission:

Baylor Genetics
Classification: Uncertain significance for Muscular dystrophy-dystroglycanopathy (congenital with brain and eye anomalies), type A6. Last evaluated: 2018-05-15. Review status: criteria provided, single submitter. Criteria: ACMG Guidelines, 2015. Collection method: clinical testing. Allele origin: unknown. Affected: yes.
Comment: This variant was determined to be of uncertain significance according to ACMG Guidelines, 2015 [PMID:25741868].

NM_133642.5(LARGE1):c.1612G>A (p.Gly538Ser)

Gene: LARGE1 (LARGE xylosyl- and glucuronyltransferase 1; minus strand). Cytogenetic location: 22q12.3.
Variant type: single nucleotide variant.
Coding change: c.1612G>A on transcript NM_133642.5 (MANE Select); coding-DNA position 1612, G replaced by A.
Protein change: p.Gly538Ser; replaces glycine 538 with serine.
Molecular consequence: missense variant.
Genome position (GRCh38, 1-based): chr22:33,304,347, C>T on the plus strand (G>A on the coding strand, the complement: LARGE1 is on the minus strand). VCF-style: chr22-33304347-C-T. GRCh37 (hg19) VCF-style: chr22-33700333-C-T.
Other names: c.1612G>A, p.Gly538Ser (NM_001362949.2, NM_001362951.2, NM_001362953.2 and 6 more transcripts); c.1456G>A, p.Gly486Ser (NM_001378629.1); c.1009G>A, p.Gly337Ser (NM_001378630.1); c.853G>A, p.Gly285Ser (NM_001378631.1); short protein forms G486S, G285S, G337S, G538S.
Identifiers: ClinVar variation 1032932 (VCV001032932.1), dbSNP rs768675700, ClinGen allele CA10202699.